The following is an entry in ClinVar:

NM_001854.4(COL11A1):c.4581T>A (p.Ser1527Arg)

Gene: COL11A1 (collagen type XI alpha 1 chain; minus strand). Cytogenetic location: 1p21.1.
Variant type: single nucleotide variant.
Coding change: c.4581T>A on transcript NM_001854.4 (MANE Select); coding-DNA position 4581, T replaced by A.
Protein change: p.Ser1527Arg; replaces serine 1527 with arginine.
Molecular consequence: missense variant. On other transcripts: non-coding transcript variant (1).
Genome position (GRCh38, 1-based): chr1:102,888,604, A>T on the plus strand (T>A on the coding strand, the complement: COL11A1 is on the minus strand). VCF-style: chr1-102888604-A-T. GRCh37 (hg19) VCF-style: chr1-103354160-A-T.
Other names: c.4464T>A, p.Ser1488Arg (NM_001190709.2); c.4617T>A, p.Ser1539Arg (NM_080629.3); c.4233T>A, p.Ser1411Arg (NM_080630.4); c.4581T>A (NM_001854.3); short protein forms S1488R, S1539R, S1411R, S1527R.
Identifiers: ClinVar variation 1484413 (VCV001484413.11), dbSNP rs146997967, ClinGen allele CA973475.
Genomic context (GRCh38, chr1:102,888,604, plus strand): 5'-GTCAGAACATCACTCTTGTTAACATATACTTACTGGAGACCCAGGAGGCCCTGGAAGACC[A>T]CTGTCACCTTTCTGGCCAGCGGGTCCCTGTTAGAAAGAAGAGAGAGGACATAAATAAAGA-3'
Protein context (NP_001845.3, residues 1517-1537): STGPAGQKGD[Ser1527Arg]GLPGPPGSPG

ClinVar aggregate classification (germline): Conflicting classifications of pathogenicity. Review status: criteria provided, conflicting classifications (1 of 4 stars). 3 submissions from 3 submitters: Uncertain significance (2); Likely benign (1). Last evaluated 2025-06-18.

Conditions:
Inborn genetic diseases. Identifiers: MedGen C0950123, MeSH D030342.

Allele frequency attached by ClinVar (database versions not stated): gnomAD exomes below 0.00001; TOPMed below 0.00001; ExAC 0.00001; gnomAD 0.00001; ESP Exome Variant Server 0.00008.
gnomAD v4.1: 9 of 1,613,600 alleles (0.00056%); highest among the groups gnomAD compares: African/African-American, 0.0027%; no homozygotes.

Submissions (3):

GeneDx
Classification: Uncertain significance. Last evaluated: 2025-06-18. Review status: criteria provided, single submitter. Criteria: GeneDx Variant Classification Process June 2021. Collection method: clinical testing. Allele origin: germline. Affected: yes.
Comment: Not observed at significant frequency in large population cohorts (gnomAD); In silico analysis suggests that this missense variant does not alter protein structure/function; Has not been previously published as pathogenic or benign to our knowledge

Ambry Genetics
Classification: Uncertain significance for Inborn genetic diseases. Last evaluated: 2024-05-14. Review status: criteria provided, single submitter. Criteria: Ambry Variant Classification Scheme 2023. Collection method: clinical testing. Allele origin: germline.

Labcorp Genetics (formerly Invitae), Labcorp
Classification: Likely benign. Last evaluated: 2022-10-07. Review status: criteria provided, single submitter. Criteria: Invitae Variant Classification Sherloc (09022015). Collection method: clinical testing. Allele origin: germline.